The following is an entry in ClinVar:

ClinVar aggregate classification (germline): Uncertain significance (1 of 4 stars; one submission).

Conditions:
Idiopathic Pulmonary Fibrosis. Also called: Idiopathic fibrosing alveolitis, chronic form; idiopathic fibrosing alveolitis. Identifiers: Orphanet 2032, MedGen C1800706, MeSH D054990, MONDO:0800504.
Dyskeratosis congenita, autosomal dominant 2. Identifiers: MedGen C3151443, MONDO:0013521, OMIM 613989.

Allele frequency attached by ClinVar (database versions not stated): TOPMed below 0.00001.

Submission:

Labcorp Genetics (formerly Invitae), Labcorp
Classification: Uncertain significance for Dyskeratosis congenita, autosomal dominant 2; Idiopathic Pulmonary Fibrosis. Last evaluated: 2023-01-17. Review status: criteria provided, single submitter. Criteria: Invitae Variant Classification Sherloc (09022015). Collection method: clinical testing. Allele origin: germline.
Comment: This variant is not present in population databases (gnomAD no frequency). This sequence change replaces leucine, which is neutral and non-polar, with phenylalanine, which is neutral and non-polar, at codon 837 of the TERT protein (p.Leu837Phe). This variant has not been reported in the literature in individuals affected with TERT-related conditions. Advanced modeling of protein sequence and biophysical properties (such as structural, functional, and spatial information, amino acid conservation, physicochemical variation, residue mobility, and thermodynamic stability) performed at Invitae indicates that this missense variant is expected to disrupt TERT protein function. In summary, the available evidence is currently insufficient to determine the role of this variant in disease. Therefore, it has been classified as a Variant of Uncertain Significance.

NM_198253.3(TERT):c.2509C>T (p.Leu837Phe)

Gene: TERT (telomerase reverse transcriptase; minus strand). Cytogenetic location: 5p15.33.
Variant type: single nucleotide variant.
Coding change: c.2509C>T on transcript NM_198253.3 (MANE Select); coding-DNA position 2509, C replaced by T.
Protein change: p.Leu837Phe; replaces leucine 837 with phenylalanine.
Molecular consequence: missense variant. On other transcripts: non-coding transcript variant (2).
Genome position (GRCh38, 1-based): chr5:1,268,593, G>A on the plus strand (C>T on the coding strand, the complement: TERT is on the minus strand). VCF-style: chr5-1268593-G-A. GRCh37 (hg19) VCF-style: chr5-1268708-G-A.
Other names: c.2509C>T, p.Leu837Phe (NM_001193376.3, NM_003219.1); short protein forms L837F.
Identifiers: ClinVar variation 2151563 (VCV002151563.4), dbSNP rs1748793005, ClinGen allele CA359074837.